The following is an entry in ClinVar:

NM_006306.4(SMC1A):c.274C>T (p.Arg92Cys)

Gene: SMC1A (structural maintenance of chromosomes 1A; minus strand). Cytogenetic location: Xp11.22.
Variant type: single nucleotide variant.
Coding change: c.274C>T on transcript NM_006306.4 (MANE Select); coding-DNA position 274, C replaced by T.
Protein change: p.Arg92Cys; replaces arginine 92 with cysteine.
Molecular consequence: missense variant.
Genome position (GRCh38, 1-based): chrX:53,415,005, G>A on the plus strand (C>T on the coding strand, the complement: SMC1A is on the minus strand). VCF-style: chrX-53415005-G-A. GRCh37 (hg19) VCF-style: chrX-53441954-G-A.
Other names: c.208C>T, p.Arg70Cys (NM_001281463.1); short protein forms R70C, R92C.
Identifiers: ClinVar variation 3234319 (VCV003234319.21), dbSNP rs1444762600, ClinGen allele CA413132140.
Genomic context (GRCh38, chrX:53,415,005, plus strand): 5'-GGACCCAAGGAGAGCTTTCTGGCCAGCCTCACCCACCTACAATGACACGGGCAAAGGTAC[G>A]GTCCTCAGCACCCTCCTCAGAGTAGACCATGCTGACAAAGGCCCGGTTGGCAGCTGGCTT-3'
Protein context (NP_006297.2, residues 82-102): MVYSEEGAED[Arg92Cys]TFARVIVGGS

ClinVar aggregate classification (germline): Conflicting classifications of pathogenicity. Review status: criteria provided, conflicting classifications (1 of 4 stars). 2 submissions from 2 submitters: Uncertain significance (1); Likely benign (1). Last evaluated 2025-12-21.

Conditions:
Congenital muscular hypertrophy-cerebral syndrome (CDLS2). Also called: Cornelia de Lange syndrome 2; SMC1A-Related Cornelia de Lange Syndrome. Identifiers: Orphanet 199, MedGen C1802395, MONDO:0010370, OMIM 300590.

Allele frequency attached by ClinVar (database versions not stated): gnomAD exomes 0.00001; TOPMed 0.00001.

Submissions (2):

Labcorp Genetics (formerly Invitae), Labcorp
Classification: Uncertain significance for Congenital muscular hypertrophy-cerebral syndrome. Last evaluated: 2025-12-21. Review status: criteria provided, single submitter. Criteria: Invitae Variant Classification Sherloc (09022015). Collection method: clinical testing. Allele origin: germline.
Comment: This sequence change replaces arginine, which is basic and polar, with cysteine, which is neutral and slightly polar, at codon 92 of the SMC1A protein (p.Arg92Cys). This variant is not present in population databases (gnomAD no frequency). This variant has not been reported in the literature in individuals affected with SMC1A-related conditions. ClinVar contains an entry for this variant (Variation ID: 3234319). Invitae Evidence Modeling of protein sequence and biophysical properties (such as structural, functional, and spatial information, amino acid conservation, physicochemical variation, residue mobility, and thermodynamic stability) indicates that this missense variant is not expected to disrupt SMC1A protein function with a negative predictive value of 80%. In summary, the available evidence is currently insufficient to determine the role of this variant in disease. Therefore, it has been classified as a Variant of Uncertain Significance.

CeGaT Center for Human Genetics Tuebingen
Classification: Likely benign. Last evaluated: 2024-04-01. Review status: criteria provided, single submitter. Criteria: CeGaT Center For Human Genetics Tuebingen Variant Classification Criteria Version 2. Collection method: clinical testing. Allele origin: germline. Affected: yes. Observed: 1 variant allele.
Comment: SMC1A: PM2, PP2, BS2